The following is an entry in ClinVar:

NM_144997.7(FLCN):c.35A>G (p.Glu12Gly)

Gene: FLCN (folliculin; minus strand). Cytogenetic location: 17p11.2.
Variant type: single nucleotide variant.
Coding change: c.35A>G on transcript NM_144997.7 (MANE Select); coding-DNA position 35, A replaced by G.
Protein change: p.Glu12Gly; replaces glutamic acid 12 with glycine.
Molecular consequence: missense variant.
Genome position (GRCh38, 1-based): chr17:17,228,103, T>C on the plus strand (A>G on the coding strand, the complement: FLCN is on the minus strand). VCF-style: chr17-17228103-T-C. GRCh37 (hg19) VCF-style: chr17-17131417-T-C.
Other names: c.35A>G, p.Glu12Gly (NM_001353229.2, NM_001353230.2, NM_001353231.2 and 1 more transcripts); short protein forms E12G.
Identifiers: ClinVar variation 1722109 (VCV001722109.6), dbSNP rs2145050342, ClinGen allele CA398535460.
Genomic context (GRCh38, chr17:17,228,103, plus strand): 5'-CCTTGAGGAAGTGGGGCGTGCAGCACCTCCGTGCAGAAGAGAGTGCGGGGGCCGTGGAGC[T>C]CGCAGAAGTGGCAGAGAGCCACGATGGCATTCATGGTGCCTTGGAGACTGCAACAGGCCT-3'
Protein context (NP_659434.2, residues 2-22): NAIVALCHFC[Glu12Gly]LHGPRTLFCT

ClinVar aggregate classification (germline): Uncertain significance (1 of 4 stars; one submission).

Conditions:
Birt-Hogg-Dube syndrome. Also called: Birt Hogg Dubé syndrome. Identifiers: Orphanet 122, MedGen C0346010, MONDO:0800444.

Submission:

Labcorp Genetics (formerly Invitae), Labcorp
Classification: Uncertain significance for Birt-Hogg-Dube syndrome. Last evaluated: 2022-10-24. Review status: criteria provided, single submitter. Criteria: Invitae Variant Classification Sherloc (09022015). Collection method: clinical testing. Allele origin: germline.
Comment: In summary, the available evidence is currently insufficient to determine the role of this variant in disease. Therefore, it has been classified as a Variant of Uncertain Significance. Advanced modeling of protein sequence and biophysical properties (such as structural, functional, and spatial information, amino acid conservation, physicochemical variation, residue mobility, and thermodynamic stability) performed at Invitae indicates that this missense variant is expected to disrupt FLCN protein function. This variant has not been reported in the literature in individuals affected with FLCN-related conditions. This variant is not present in population databases (gnomAD no frequency). This sequence change replaces glutamic acid, which is acidic and polar, with glycine, which is neutral and non-polar, at codon 12 of the FLCN protein (p.Glu12Gly).